The following is an entry in ClinVar:

NM_001366385.1(CARD14):c.26C>T (p.Ser9Phe)

Gene: CARD14 (caspase recruitment domain family member 14; plus strand). Cytogenetic location: 17q25.3.
Variant type: single nucleotide variant.
Coding change: c.26C>T on transcript NM_001366385.1 (MANE Select); coding-DNA position 26, C replaced by T.
Protein change: p.Ser9Phe; replaces serine 9 with phenylalanine.
Molecular consequence: missense variant. On other transcripts: non-coding transcript variant (1).
Genome position (GRCh38, 1-based): chr17:80,181,464, C>T. VCF-style: chr17-80181464-C-T. GRCh37 (hg19) VCF-style: chr17-78155263-C-T.
Other names: c.26C>T, p.Ser9Phe (NM_001257970.1, NM_024110.4); short protein forms S9F.
Identifiers: ClinVar variation 3758384 (VCV003758384.2).

ClinVar aggregate classification (germline): Uncertain significance (1 of 4 stars; one submission).

Conditions:
Pityriasis rubra pilaris (PRP). Also called: Pityriasis rubra pilaris--familial type. Identifiers: Orphanet 2897, MedGen C0032027, MONDO:0100017, OMIM 173200, MONDO:0008251.
Psoriasis 2. Identifiers: MedGen C1864497, MONDO:0011269, OMIM 602723.

gnomAD v4.1: 2 of 1,581,320 alleles (0.00013%); highest among the groups gnomAD compares: Admixed American, 0.0036%; no homozygotes.

Submission:

Labcorp Genetics (formerly Invitae), Labcorp
Classification: Uncertain significance for Pityriasis rubra pilaris; Psoriasis 2. Last evaluated: 2024-08-02. Review status: criteria provided, single submitter. Criteria: Invitae Variant Classification Sherloc (09022015). Collection method: clinical testing. Allele origin: germline.
Comment: This sequence change replaces serine, which is neutral and polar, with phenylalanine, which is neutral and non-polar, at codon 9 of the CARD14 protein (p.Ser9Phe). This variant is present in population databases (rs779622128, gnomAD 0.007%). This variant has not been reported in the literature in individuals affected with CARD14-related conditions. An algorithm developed to predict the effect of missense changes on protein structure and function (PolyPhen-2) suggests that this variant is likely to be disruptive. In summary, the available evidence is currently insufficient to determine the role of this variant in disease. Therefore, it has been classified as a Variant of Uncertain Significance.